The following is an entry in ClinVar:

ClinVar aggregate classification (germline): Uncertain significance (1 of 4 stars; one submission).

Allele frequency attached by ClinVar (database versions not stated): TOPMed below 0.00001.

Submission:

Labcorp Genetics (formerly Invitae), Labcorp
Classification: Uncertain significance. Last evaluated: 2023-03-22. Review status: criteria provided, single submitter. Criteria: Invitae Variant Classification Sherloc (09022015). Collection method: clinical testing. Allele origin: germline.
Comment: This sequence change replaces histidine, which is basic and polar, with tyrosine, which is neutral and polar, at codon 1744 of the CHD4 protein (p.His1744Tyr). In summary, the available evidence is currently insufficient to determine the role of this variant in disease. Therefore, it has been classified as a Variant of Uncertain Significance. An algorithm developed to predict the effect of missense changes on protein structure and function (PolyPhen-2) suggests that this variant is likely to be disruptive. This variant has not been reported in the literature in individuals affected with CHD4-related conditions. This variant is not present in population databases (gnomAD no frequency).

NM_001273.5(CHD4):c.5230C>T (p.His1744Tyr)

Genes: CHD4 (chromodomain helicase DNA binding protein 4; minus strand), CHD4-AS1 (CHD4 antisense RNA 1; plus strand). Cytogenetic location: 12p13.31.
Variant type: single nucleotide variant.
Coding change: c.5230C>T on transcript NM_001273.5 (MANE Select); coding-DNA position 5230, C replaced by T.
Protein change: p.His1744Tyr; replaces histidine 1744 with tyrosine.
Molecular consequence: missense variant.
Genome position (GRCh38, 1-based): chr12:6,577,916, G>A on the plus strand (C>T on the coding strand, the complement: CHD4 is on the minus strand). VCF-style: chr12-6577916-G-A. GRCh37 (hg19) VCF-style: chr12-6687082-G-A.
Other names: c.5209C>T, p.His1737Tyr (NM_001297553.2); c.5197C>T, p.His1733Tyr (NM_001363606.2); short protein forms H1737Y, H1744Y, H1733Y.
Identifiers: ClinVar variation 2983362 (VCV002983362.3), dbSNP rs1948099547, ClinGen allele CA383565071.